The following is an entry in ClinVar:

ClinVar aggregate classification (germline): Uncertain significance (1 of 4 stars; one submission).

Allele frequency attached by ClinVar (database versions not stated): gnomAD exomes 0.00008; ExAC 0.00010; gnomAD 0.00026 and 0.00030; TOPMed 0.00026; ESP Exome Variant Server 0.00031.
gnomAD v4.1: 82 of 1,613,560 alleles (0.0051%); highest among the groups gnomAD compares: African/African-American, 0.088%; no homozygotes.

Submission:

Labcorp Genetics (formerly Invitae), Labcorp
Classification: Uncertain significance. Last evaluated: 2022-05-14. Review status: criteria provided, single submitter. Criteria: Invitae Variant Classification Sherloc (09022015). Collection method: clinical testing. Allele origin: germline.
Comment: This sequence change replaces threonine, which is neutral and polar, with methionine, which is neutral and non-polar, at codon 483 of the SLC30A10 protein (p.Thr483Met). This variant is present in population databases (rs138457091, gnomAD 0.07%). This variant has not been reported in the literature in individuals affected with SLC30A10-related conditions. Algorithms developed to predict the effect of missense changes on protein structure and function are either unavailable or do not agree on the potential impact of this missense change (SIFT: "Deleterious"; PolyPhen-2: "Probably Damaging"; Align-GVGD: "Class C0"). In summary, the available evidence is currently insufficient to determine the role of this variant in disease. Therefore, it has been classified as a Variant of Uncertain Significance.

NM_018713.3(SLC30A10):c.1448C>T (p.Thr483Met)

Gene: SLC30A10 (solute carrier family 30 member 10; minus strand). Cytogenetic location: 1q41.
Variant type: single nucleotide variant.
Coding change: c.1448C>T on transcript NM_018713.3 (MANE Select); coding-DNA position 1448, C replaced by T.
Protein change: p.Thr483Met; replaces threonine 483 with methionine.
Molecular consequence: missense variant. On other transcripts: non-coding transcript variant (2).
Genome position (GRCh38, 1-based): chr1:219,915,459, G>A on the plus strand (C>T on the coding strand, the complement: SLC30A10 is on the minus strand). VCF-style: chr1-219915459-G-A. GRCh37 (hg19) VCF-style: chr1-220088801-G-A.
Other names: c.1259C>T, p.Thr420Met (NM_001376929.1); short protein forms T483M, T420M.
Identifiers: ClinVar variation 1378292 (VCV001378292.3), dbSNP rs138457091, ClinGen allele CA1399104.